The following is an entry in ClinVar:

NM_012123.4(MTO1):c.-13T>G

Gene: MTO1 (mitochondrial tRNA translation optimization 1; plus strand). Cytogenetic location: 6q13.
Variant type: single nucleotide variant.
Coding change: c.-13T>G on transcript NM_012123.4 (MANE Select); 13 bases upstream of the start codon, T replaced by G.
Molecular consequence: 5 prime UTR variant.
Genome position (GRCh38, 1-based): chr6:73,461,842, T>G. VCF-style: chr6-73461842-T-G. GRCh37 (hg19) VCF-style: chr6-74171565-T-G.
Other names: c.-13T>G (NM_001123226.2, NM_133645.3).
Identifiers: ClinVar variation 514611 (VCV000514611.1), dbSNP rs778405807, ClinGen allele CA3889199.
Genomic context (GRCh38, chr6:73,461,842, plus strand): 5'-TGTCTCTTGTTGCGTAAGTTTTTTTGACCGTCACTCGTGTCAGCTTCAAAGTCAGATAGA[T>G]TTTTCTCCCAGCATGTTCTACTTCCGAGGCTGTGGCCGTTGGGTCGCGGTTTCCTTCACC-3'

ClinVar aggregate classification (germline): Likely benign (1 of 4 stars; one submission).

Allele frequency attached by ClinVar (database versions not stated): gnomAD exomes 0.00001 and 0.00002; ExAC 0.00002; TOPMed 0.00002; gnomAD 0.00003.
gnomAD v4.1: 16 of 1,607,158 alleles (0.001%); highest among the groups gnomAD compares: Middle Eastern, 0.033%; no homozygotes.

Submission:

GeneDx
Classification: Likely benign. Last evaluated: 2018-01-22. Review status: criteria provided, single submitter. Criteria: GeneDx Variant Classification (06012015). Collection method: clinical testing. Allele origin: germline. Affected: yes.
Comment: This variant is considered likely benign or benign based on one or more of the following criteria: it is a conservative change, it occurs at a poorly conserved position in the protein, it is predicted to be benign by multiple in silico algorithms, and/or has population frequency not consistent with disease.